The following is an entry in ClinVar:

NM_024757.5(EHMT1):c.1493A>G (p.Gln498Arg)

Gene: EHMT1 (euchromatic histone lysine methyltransferase 1; plus strand). Cytogenetic location: 9q34.3.
Variant type: single nucleotide variant.
Coding change: c.1493A>G on transcript NM_024757.5 (MANE Select); coding-DNA position 1493, A replaced by G.
Protein change: p.Gln498Arg; replaces glutamine 498 with arginine.
Molecular consequence: missense variant.
Genome position (GRCh38, 1-based): chr9:137,758,003, A>G. VCF-style: chr9-137758003-A-G. GRCh37 (hg19) VCF-style: chr9-140652455-A-G.
Other names: c.1493A>G, p.Gln498Arg (NM_001145527.2, NM_001354611.2); c.1400A>G, p.Gln467Arg (NM_001354259.2, NM_001354612.2); c.1472A>G, p.Gln491Arg (NM_001354263.2); short protein forms Q467R, Q491R, Q498R.
Identifiers: ClinVar variation 1195348 (VCV001195348.11), dbSNP rs1949510530, ClinGen allele CA375766562.

ClinVar aggregate classification (germline): Conflicting classifications of pathogenicity. Review status: criteria provided, conflicting classifications (1 of 4 stars). 3 submissions from 3 submitters: Uncertain significance (2); Likely benign (1). Last evaluated 2024-12-31.

Conditions:
Kleefstra syndrome 1 (KLEFS1). Identifiers: Orphanet 261494, MedGen C0795833, MONDO:0027407, OMIM 610253.
Inborn genetic diseases. Identifiers: MedGen C0950123, MeSH D030342.

Allele frequency attached by ClinVar (database versions not stated): gnomAD 0.00001; TOPMed 0.00002.
gnomAD v4.1: 2 of 1,613,884 alleles (0.00012%); highest among the groups gnomAD compares: African/African-American, 0.0013%; no homozygotes.

Submissions (3):

Ambry Genetics
Classification: Uncertain significance for Inborn genetic diseases. Last evaluated: 2024-12-31. Review status: criteria provided, single submitter. Criteria: Ambry Variant Classification Scheme 2023. Collection method: clinical testing. Allele origin: germline.

Labcorp Genetics (formerly Invitae), Labcorp
Classification: Uncertain significance for Kleefstra syndrome 1. Last evaluated: 2022-12-06. Review status: criteria provided, single submitter. Criteria: Invitae Variant Classification Sherloc (09022015). Collection method: clinical testing. Allele origin: germline.
Comment: In summary, the available evidence is currently insufficient to determine the role of this variant in disease. Therefore, it has been classified as a Variant of Uncertain Significance. Advanced modeling of protein sequence and biophysical properties (such as structural, functional, and spatial information, amino acid conservation, physicochemical variation, residue mobility, and thermodynamic stability) performed at Invitae indicates that this missense variant is not expected to disrupt EHMT1 protein function. ClinVar contains an entry for this variant (Variation ID: 1195348). This variant has not been reported in the literature in individuals affected with EHMT1-related conditions. This variant is not present in population databases (gnomAD no frequency). This sequence change replaces glutamine, which is neutral and polar, with arginine, which is basic and polar, at codon 498 of the EHMT1 protein (p.Gln498Arg).

GeneDx
Classification: Likely benign. Last evaluated: 2020-11-24. Review status: criteria provided, single submitter. Criteria: GeneDx Variant Classification Process June 2021. Collection method: clinical testing. Allele origin: germline. Affected: yes.